The following is an entry in ClinVar:

ClinVar aggregate classification (germline): Uncertain significance (1 of 4 stars; one submission).

Conditions:
Gastrointestinal stromal tumor. Also called: Gastrointestinal stromal tumor, somatic; Gastrointestinal stroma tumor. Identifiers: Orphanet 44890, MedGen C0238198, MeSH D046152, MONDO:0011719, OMIM 606764, HP:0100723.

Submission:

Labcorp Genetics (formerly Invitae), Labcorp
Classification: Uncertain significance for Gastrointestinal stromal tumor. Last evaluated: 2024-04-12. Review status: criteria provided, single submitter. Criteria: Invitae Variant Classification Sherloc (09022015). Collection method: clinical testing. Allele origin: germline.
Comment: This variant, c.757-1_758dup, results in the insertion of 1 amino acid(s) of the KIT protein (p.Thr253dup), but otherwise preserves the integrity of the reading frame. This variant is not present in population databases (gnomAD no frequency). This variant has not been reported in the literature in individuals affected with KIT-related conditions. Experimental studies and prediction algorithms are not available or were not evaluated, and the functional significance of this variant is currently unknown. In summary, the available evidence is currently insufficient to determine the role of this variant in disease. Therefore, it has been classified as a Variant of Uncertain Significance.

NM_000222.3(KIT):c.757-1_758dup

Gene: KIT (KIT proto-oncogene, receptor tyrosine kinase; plus strand). Cytogenetic location: 4q12.
Variant type: Duplication.
Coding change: c.757-1_758dup on transcript NM_000222.3 (MANE Select); the canonical splice acceptor site of the intron before coding-DNA position 757 through coding-DNA position 758, 3 bases duplicated (GAC; older notation c.757-1_758dupGAC).
Molecular consequence: splice acceptor variant.
Genome position (GRCh38, 1-based): chr4:54,703,723-54,703,725, GAC duplicated. VCF-style (leftmost placement, unchanged base first): chr4-54703722-A-AGAC. GRCh37 (hg19) VCF-style: chr4-55569888-A-AGAC.
Other names: c.759_761dup, p.Thr254_Lys255insThr (NM_001385284.1, NM_001385288.1, NM_001385290.1 and 1 more transcripts); c.757-1_758dup (NM_001385285.1, NM_001093772.2, NM_001385286.1).
Identifiers: ClinVar variation 3702280 (VCV003702280.2).